The following is an entry in ClinVar:

ClinVar aggregate classification (germline): Pathogenic (1 of 4 stars; one submission).

Submission:

GeneDx
Classification: Pathogenic. Last evaluated: 2018-02-28. Review status: criteria provided, single submitter. Criteria: GeneDx Variant Classification (06012015). Collection method: clinical testing. Allele origin: germline. Affected: yes.
Comment: The Q557X variant in the HNRNPU gene has not been reported previously as a pathogenic variant nor as a benign variant, to our knowledge. This variant is predicted to cause loss of normal protein function either through protein truncation or nonsense-mediated mRNA decay. The Q557X variant is not observed in large population cohorts (Lek et al., 2016). We interpret Q557X as a pathogenic variant.

NM_031844.3(HNRNPU):c.1669C>T (p.Gln557Ter)

Gene: HNRNPU (heterogeneous nuclear ribonucleoprotein U; minus strand). Cytogenetic location: 1q44.
Variant type: single nucleotide variant.
Coding change: c.1669C>T on transcript NM_031844.3 (MANE Select); coding-DNA position 1669, C replaced by T.
Protein change: p.Gln557Ter; replaces glutamine 557 with a stop codon.
Molecular consequence: nonsense.
Genome position (GRCh38, 1-based): chr1:244,856,802, G>A on the plus strand (C>T on the coding strand, the complement: HNRNPU is on the minus strand). VCF-style: chr1-244856802-G-A. GRCh37 (hg19) VCF-style: chr1-245020104-G-A.
Other names: c.1612C>T, p.Gln538Ter (NM_004501.3); short protein forms Q557*, Q538*.
Identifiers: ClinVar variation 523805 (VCV000523805.2), dbSNP rs1553282390, ClinGen allele CA345489923.